The following is an entry in ClinVar:

ClinVar aggregate classification (germline): Pathogenic (1 of 4 stars; one submission).

Conditions:
Primary ciliary dyskinesia. Also called: Ciliary dyskinesia. Identifiers: Orphanet 244, MedGen C0008780, MONDO:0016575, HP:0012265.

Submission:

Labcorp Genetics (formerly Invitae), Labcorp
Classification: Pathogenic for Primary ciliary dyskinesia. Last evaluated: 2023-08-23. Review status: criteria provided, single submitter. Criteria: Invitae Variant Classification Sherloc (09022015). Collection method: clinical testing. Allele origin: germline.
Comment: This sequence change creates a premature translational stop signal (p.Tyr1085*) in the RPGR (ORF15) gene. While this is not anticipated to result in nonsense mediated decay, it is expected to disrupt the last 68 amino acid(s) of the RPGR (ORF15) protein. For these reasons, this variant has been classified as Pathogenic. This variant disrupts a region of the RPGR (ORF15) protein in which other variant(s) (p.Leu1130Lysfs*13) have been determined to be pathogenic (PMID: 22264887). This suggests that this is a clinically significant region of the protein, and that variants that disrupt it are likely to be disease-causing. This variant has not been reported in the literature in individuals affected with RPGR (ORF15)-related conditions. This variant is not present in population databases (gnomAD no frequency).

Literature cited by the submitters: PubMed 22264887.

NM_001034853.2(RPGR):c.3255C>A (p.Tyr1085Ter)

Gene: RPGR (retinitis pigmentosa GTPase regulator; minus strand). Cytogenetic location: Xp11.4.
Variant type: single nucleotide variant.
Coding change: c.3255C>A on transcript NM_001034853.2 (MANE Select); coding-DNA position 3255, C replaced by A.
Protein change: p.Tyr1085Ter; replaces tyrosine 1085 with a stop codon.
Molecular consequence: nonsense. On other transcripts: intron variant (8).
Genome position (GRCh38, 1-based): chrX:38,285,744, G>T on the plus strand (C>A on the coding strand, the complement: RPGR is on the minus strand). VCF-style: chrX-38285744-G-T. GRCh37 (hg19) VCF-style: chrX-38144997-G-T.
Other names: c.1569+5215C>A (NM_001367249.1, NM_001367250.1); c.1902+1350C>A (NM_001367245.1); c.1386+5215C>A (NM_001367251.1); c.1719+1350C>A (NM_001367246.1); c.1572+5215C>A (NM_001367247.1); c.1905+1350C>A (NM_000328.3); c.1602+5215C>A (NM_001367248.1); short protein forms Y1085*.
Identifiers: ClinVar variation 2754658 (VCV002754658.3), dbSNP rs2519780519, ClinGen allele CA412727523.